The following is an entry in ClinVar:

ClinVar aggregate classification (germline): Uncertain significance. Review status: criteria provided, multiple submitters, no conflicts (2 of 4 stars). 2 submissions from 2 submitters: Uncertain significance (2). Last evaluated 2024-01-24.

Submissions (2):

GeneDx
Classification: Uncertain significance. Last evaluated: 2024-01-24. Review status: criteria provided, single submitter. Criteria: GeneDx Variant Classification Process June 2021. Collection method: clinical testing. Allele origin: germline. Affected: yes.
Comment: Not observed at significant frequency in large population cohorts (gnomAD); In silico analysis supports that this missense variant has a deleterious effect on protein structure/function; Has not been previously published as pathogenic or benign to our knowledge

Blueprint Genetics
Classification: Uncertain significance. Last evaluated: 2022-09-14. Review status: criteria provided, single submitter. Criteria: ACMG Guidelines, 2015. Collection method: clinical testing. Allele origin: germline.

NM_000161.3(GCH1):c.536T>C (p.Leu179Pro)

Gene: GCH1 (GTP cyclohydrolase 1; minus strand). Cytogenetic location: 14q22.2.
Variant type: single nucleotide variant.
Coding change: c.536T>C on transcript NM_000161.3 (MANE Select); coding-DNA position 536, T replaced by C.
Protein change: p.Leu179Pro; replaces leucine 179 with proline.
Molecular consequence: missense variant. On other transcripts: intron variant (1).
Genome position (GRCh38, 1-based): chr14:54,847,104, A>G on the plus strand (T>C on the coding strand, the complement: GCH1 is on the minus strand). VCF-style: chr14-54847104-A-G. GRCh37 (hg19) VCF-style: chr14-55313822-A-G.
Other names: c.536T>C, p.Leu179Pro (NM_001024024.2, NM_001024070.2, NM_001024071.2); c.242T>C, p.Leu81Pro (NM_001424105.1); c.510-4050T>C (NM_001424104.1); short protein forms L179P, L81P.
Identifiers: ClinVar variation 3368181 (VCV003368181.2).